The following is an entry in ClinVar:

ClinVar aggregate classification (germline): Uncertain significance. Review status: criteria provided, single submitter (1 of 4 stars). 2 submissions from 2 submitters: Uncertain significance (1). 1 of the submissions does not count toward it. Last evaluated 2022-08-23.

Conditions:
Nemaline myopathy 2 (NEM2). Also called: Nemaline myopathy 2, autosomal recessive. Identifiers: MedGen C1850569, MONDO:0009725, OMIM 256030.

Allele frequency attached by ClinVar (database versions not stated): gnomAD exomes below 0.00001; gnomAD 0.00001.
gnomAD v4.1: 2 of 1,613,832 alleles (0.00012%); highest among the groups gnomAD compares: Admixed American, 0.0033%; no homozygotes.

Submissions (2):

Labcorp Genetics (formerly Invitae), Labcorp
Classification: Uncertain significance for Nemaline myopathy 2. Last evaluated: 2022-08-23. Review status: criteria provided, single submitter. Criteria: Invitae Variant Classification Sherloc (09022015). Collection method: clinical testing. Allele origin: germline.
Comment: This variant is not present in population databases (gnomAD no frequency). This variant has not been reported in the literature in individuals affected with NEB-related conditions. ClinVar contains an entry for this variant (Variation ID: 861527). Algorithms developed to predict the effect of missense changes on protein structure and function are either unavailable or do not agree on the potential impact of this missense change (SIFT: "Deleterious"; PolyPhen-2: "Not Available"; Align-GVGD: "Class C0"). In summary, the available evidence is currently insufficient to determine the role of this variant in disease. Therefore, it has been classified as a Variant of Uncertain Significance. This sequence change replaces isoleucine, which is neutral and non-polar, with threonine, which is neutral and polar, at codon 3637 of the NEB protein (p.Ile3637Thr).

Natera, Inc.
Classification: Uncertain significance for Nemaline myopathy type 2. Last evaluated: 2021-04-22. Review status: no assertion criteria provided. Collection method: clinical testing. Allele origin: germline. Not counted in ClinVar's aggregate classification.

NM_001164508.2(NEB):c.10910T>C (p.Ile3637Thr)

Gene: NEB (nebulin; minus strand). Cytogenetic location: 2q23.3.
Variant type: single nucleotide variant.
Coding change: c.10910T>C on transcript NM_001164508.2 (MANE Select); coding-DNA position 10910, T replaced by C.
Protein change: p.Ile3637Thr; replaces isoleucine 3637 with threonine.
Molecular consequence: missense variant.
Genome position (GRCh38, 1-based): chr2:151,618,441, A>G on the plus strand (T>C on the coding strand, the complement: NEB is on the minus strand). VCF-style: chr2-151618441-A-G. GRCh37 (hg19) VCF-style: chr2-152474955-A-G.
Other names: c.10910T>C, p.Ile3637Thr (NM_001164507.2, NM_001271208.2); c.10181T>C, p.Ile3394Thr (NM_004543.5); short protein forms I3637T, I3394T.
Identifiers: ClinVar variation 861527 (VCV000861527.12), dbSNP rs2098276722, ClinGen allele CA348786563.
Genomic context (GRCh38, chr2:151,618,441, plus strand): 5'-AGTAATTCTCCAGCTCTCTTGGCCCTAACAACTTCCAAGGAATCAATCGGAACCCAGCCA[A>G]TGCCTTTCATCCATTCAAGGTCTGACTTATACAAATTCTGCAGATCAACAGATAAGAAAC-3'
Protein context (NP_001157980.2, residues 3627-3647): YKSDLEWMKG[Ile3637Thr]GWVPIDSLEV